The following is an entry in ClinVar:

NM_014991.6(WDFY3):c.8098-5dup

Gene: WDFY3 (WD repeat and FYVE domain containing 3; minus strand). Cytogenetic location: 4q21.23.
Variant type: Duplication.
Coding change: c.8098-5dup on transcript NM_014991.6 (MANE Select); 5 bases into the intron before coding-DNA position 8098, one base duplicated (T; older notation c.8098-5dupT).
Molecular consequence: intron variant.
Genome position (GRCh38, 1-based): chr4:84,709,033, A duplicated on the plus strand (T on the coding strand, the reverse complement: WDFY3 is on the minus strand); the first of 5 consecutive A bases (chr4:84,709,033-84,709,037); duplicating any one gives the same sequence. VCF-style (leftmost placement, unchanged base first): chr4-84709032-G-GA. GRCh37 (hg19) VCF-style: chr4-85630185-G-GA.
Identifiers: ClinVar variation 3048882 (VCV003048882.2), dbSNP rs767674711, ClinGen allele CA2992455.

ClinVar aggregate classification (germline): Likely benign (0 of 4 stars; one submission).

Conditions:
WDFY3-related disorder.

Submission:

PreventionGenetics, part of Exact Sciences
Classification: Likely benign for WDFY3-related condition. Last evaluated: 2021-07-27. Review status: no assertion criteria provided. Collection method: clinical testing. Allele origin: germline.
Comment: This variant is classified as likely benign based on ACMG/AMP sequence variant interpretation guidelines (Richards et al. 2015 PMID: 25741868, with internal and published modifications).